The following is an entry in ClinVar:

ClinVar aggregate classification (germline): Pathogenic (1 of 4 stars; one submission).

Submission:

Labcorp Genetics (formerly Invitae), Labcorp
Classification: Pathogenic. Last evaluated: 2021-10-14. Review status: criteria provided, single submitter. Criteria: Invitae Variant Classification Sherloc (09022015). Collection method: clinical testing. Allele origin: germline.
Comment: For these reasons, this variant has been classified as Pathogenic. Experimental studies have shown that this premature translational stop signal affects UROS protein function (PMID: 7552139). Algorithms developed to predict the effect of variants on protein structure and function are not available or were not evaluated for this variant. This variant is also known as 633insA. This premature translational stop signal has been observed in individual(s) with congenital erythropoietic porphyria (PMID: 7552139). In at least one individual the data is consistent with the variant being in trans (on the opposite chromosome) from a pathogenic variant. This variant is not present in population databases (ExAC no frequency). This sequence change creates a premature translational stop signal (p.Ser212Ilefs*3) in the UROS gene. While this is not anticipated to result in nonsense mediated decay, it is expected to disrupt the last 54 amino acid(s) of the UROS protein.

Literature cited by the submitters: PubMed 7552139.

NM_000375.3(UROS):c.633dup (p.Ser212fs)

Gene: UROS (uroporphyrinogen III synthase; minus strand). Cytogenetic location: 10q26.2.
Variant type: Duplication.
Coding change: c.633dup on transcript NM_000375.3 (MANE Select); coding-DNA position 633, one base duplicated (A; older notation c.633dupA).
Protein change: p.Ser212fs; shifts the reading frame from serine 212.
Molecular consequence: frameshift variant. On other transcripts: non-coding transcript variant (4).
Genome position (GRCh38, 1-based): chr10:125,794,907, T duplicated on the plus strand (A on the coding strand, the reverse complement: UROS is on the minus strand). VCF-style (leftmost placement, unchanged base first): chr10-125794906-A-AT. GRCh37 (hg19) VCF-style: chr10-127483475-A-AT.
Other names: c.633dup, p.Ser212fs (NM_001324036.2); c.552dup, p.Ser185fs (NM_001324037.2, NM_001324038.2); short protein forms S185fs, S212fs.
Identifiers: ClinVar variation 1452606 (VCV001452606.6), dbSNP rs2133825383, ClinGen allele CA2573145605.